The following is an entry in ClinVar:

ClinVar aggregate classification (germline): Likely pathogenic (1 of 4 stars; one submission).

Conditions:
Mucolipidosis type IV (ML4). Also called: ML IV. Identifiers: Orphanet 578, MedGen C0238286, MONDO:0009653, OMIM 252650.

Submission:

Natera, Inc.
Classification: Likely pathogenic for Mucolipidosis type IV. Last evaluated: 2025-04-29. Review status: criteria provided, single submitter. Criteria: Natera Variant Classification Schema (03/2026). Collection method: clinical testing. Allele origin: germline.
Comment: The c.81del variant in MCOLN1 is a frameshift variant predicted to shift the reading frame beginning at codon 28 and leads to a stop codon 23 codons downstream. This variant is expected to result in nonsense mediated decay, truncation, or a dysfunctional protein product. This variant is rare in the general population with a frequency below the threshold expected for the associated phenotype(s). Given the available evidence, this variant is classified as Likely Pathogenic.

NM_020533.3(MCOLN1):c.81del (p.Pro28fs)

Gene: MCOLN1 (mucolipin TRP cation channel 1; plus strand). Cytogenetic location: 19p13.2.
Variant type: Deletion.
Coding change: c.81del on transcript NM_020533.3 (MANE Select); coding-DNA position 81, one base deleted (G; older notation c.81delG).
Protein change: p.Pro28fs; shifts the reading frame from proline 28.
Molecular consequence: frameshift variant.
Genome position (GRCh38, 1-based): chr19:7,525,010, G deleted; the last of 4 consecutive G bases (chr19:7,525,007-7,525,010); deleting any one gives the same sequence. VCF-style (leftmost placement, unchanged base first): chr19-7525006-CG-C. GRCh37 (hg19) VCF-style: chr19-7589892-CG-C.
Other names: short protein forms P28fs.
Identifiers: ClinVar variation 4057561 (VCV004057561.2).